The following is an entry in ClinVar:

NM_001013838.3(CARMIL2):c.2313+1G>A

Gene: CARMIL2 (capping protein regulator and myosin 1 linker 2; plus strand). Cytogenetic location: 16q22.1.
Variant type: single nucleotide variant.
Coding change: c.2313+1G>A on transcript NM_001013838.3 (MANE Select); the canonical splice donor site of the intron after coding-DNA position 2313, G replaced by A.
Molecular consequence: splice donor variant.
Genome position (GRCh38, 1-based): chr16:67,651,316, G>A. VCF-style: chr16-67651316-G-A. GRCh37 (hg19) VCF-style: chr16-67685219-G-A.
Other names: c.2205+1G>A (NM_001317026.3).
Identifiers: ClinVar variation 1333422 (VCV001333422.9), dbSNP rs765817045, ClinGen allele CA8113744.

ClinVar aggregate classification (germline): Likely pathogenic. Review status: criteria provided, multiple submitters, no conflicts (2 of 4 stars). 2 submissions from 2 submitters: Likely pathogenic (2). Last evaluated 2024-04-23.

Conditions:
Severe combined immunodeficiency due to CARMIL2 deficiency. Also called: IMMUNODEFICIENCY 58. Identifiers: Orphanet 542301, MedGen C4748304, MONDO:0029134, OMIM 618131.

Allele frequency attached by ClinVar (database versions not stated): ExAC 0.00001.
gnomAD v4.1: 8 of 1,613,376 alleles (0.0005%); highest among the groups gnomAD compares: African/African-American, 0.0013%; no homozygotes.

Submissions (2):

Labcorp Genetics (formerly Invitae), Labcorp
Classification: Likely pathogenic. Last evaluated: 2024-04-23. Review status: criteria provided, single submitter. Criteria: Invitae Variant Classification Sherloc (09022015). Collection method: clinical testing. Allele origin: germline.
Comment: This sequence change affects a donor splice site in intron 23 of the CARMIL2 gene. It is expected to disrupt RNA splicing. Variants that disrupt the donor or acceptor splice site typically lead to a loss of protein function (PMID: 16199547), and loss-of-function variants in CARMIL2 are known to be pathogenic (PMID: 27647349, 28112205). This variant is present in population databases (rs765817045, gnomAD 0.004%). This variant has not been reported in the literature in individuals affected with CARMIL2-related conditions. ClinVar contains an entry for this variant (Variation ID: 1333422). Algorithms developed to predict the effect of sequence changes on RNA splicing suggest that this variant may disrupt the consensus splice site. In summary, the currently available evidence indicates that the variant is pathogenic, but additional data are needed to prove that conclusively. Therefore, this variant has been classified as Likely Pathogenic.

3billion
Classification: Likely pathogenic for Severe combined immunodeficiency due to CARMIL2 deficiency. Last evaluated: 2022-01-03. Review status: criteria provided, single submitter. Criteria: ACMG Guidelines, 2015. Collection method: clinical testing. Allele origin: germline. Affected: yes. Observed: 1 heterozygote.
Comment: Canonical splice site: predicted to alter splicing and result in a loss or disruption of normal protein function through protein truncation. Multiple pathogenic variants are reported in the predicted truncated region (PVS1_VS). It is observed at an extremely low frequency in the gnomAD v2.1.1 dataset (total allele frequency: 0.000004, PM2_M). Therefore, this variant is classified as likely pathogenic according to the recommendation of ACMG/AMP guideline.

Literature cited by the submitters: PubMed 16199547 (cited by Labcorp Genetics (formerly Invitae), Labcorp); PubMed 27647349 (cited by Labcorp Genetics (formerly Invitae), Labcorp); PubMed 28112205 (cited by Labcorp Genetics (formerly Invitae), Labcorp).